The following is an entry in ClinVar:

NM_001351169.2(NT5C2):c.176-11T>A

Gene: NT5C2 (5'-nucleotidase, cytosolic II; minus strand). Cytogenetic location: 10q24.33.
Variant type: single nucleotide variant.
Coding change: c.176-11T>A on transcript NM_001351169.2 (MANE Select); 11 bases into the intron before coding-DNA position 176, T replaced by A.
Molecular consequence: intron variant.
Genome position (GRCh38, 1-based): chr10:103,106,717, A>T on the plus strand (T>A on the coding strand, the complement: NT5C2 is on the minus strand). VCF-style: chr10-103106717-A-T. GRCh37 (hg19) VCF-style: chr10-104866474-A-T.
Other names: c.89-11T>A (NM_001351174.1); c.-306-11T>A (NM_001351191.1, NM_001351181.2); c.-398-11T>A (NM_001351192.1, NM_001351183.2, NM_001351176.2 and 2 more transcripts); c.-422-11T>A (NM_001351193.1, NM_001351178.2); c.-580-11T>A (NM_001351194.2, NM_001351195.2); c.-590-11T>A (NM_001351180.2, NM_001351188.2, NM_001351184.2 and 3 more transcripts); c.176-11T>A (NM_001134373.3, NM_001351170.2, NM_012229.5 and 3 more transcripts); c.-611-11T>A (NM_001351185.2); and 5 more.
Identifiers: ClinVar variation 1212561 (VCV001212561.7), dbSNP rs373347265, ClinGen allele CA5671168.

ClinVar aggregate classification (germline): Uncertain significance. Review status: criteria provided, multiple submitters, no conflicts (2 of 4 stars). 2 submissions from 2 submitters: Uncertain significance (2). Last evaluated 2023-12-11.

Conditions:
Hereditary spastic paraplegia 45. Also called: SPASTIC PARAPLEGIA 45; Spastic paraplegia 45, autosomal recessive. Identifiers: Orphanet 320396, MedGen C3888209, MONDO:0013165, OMIM 613162.

Allele frequency attached by ClinVar (database versions not stated): ESP Exome Variant Server 0.00038.
gnomAD v4.1: 480 of 1,496,720 alleles (0.032%); highest among the groups gnomAD compares: Non-Finnish European, 0.042%; no homozygotes.

Submissions (3):

Labcorp Genetics (formerly Invitae), Labcorp
Classification: Uncertain significance for Hereditary spastic paraplegia 45. Last evaluated: 2023-12-11. Review status: criteria provided, single submitter. Criteria: Invitae Variant Classification Sherloc (09022015). Collection method: clinical testing. Allele origin: germline.
Comment: This sequence change falls in intron 4 of the NT5C2 gene. It does not directly change the encoded amino acid sequence of the NT5C2 protein. This variant is present in population databases (rs373347265, gnomAD 0.04%). This variant has not been reported in the literature in individuals affected with NT5C2-related conditions. ClinVar contains an entry for this variant (Variation ID: 1212561). Algorithms developed to predict the effect of sequence changes on RNA splicing suggest that this variant may disrupt the consensus splice site. In summary, the available evidence is currently insufficient to determine the role of this variant in disease. Therefore, it has been classified as a Variant of Uncertain Significance.

GeneDx
Classification: Uncertain significance. Last evaluated: 2019-12-13. Review status: criteria provided, single submitter. Criteria: GeneDx Variant Classification Process June 2021. Collection method: clinical testing. Allele origin: germline. Affected: yes.
Comment: Has not been previously published as pathogenic or benign to our knowledge; In-silico analysis, which includes splice predictors and evolutionary conservation, is inconclusive as to whether the variant alters gene splicing. In the absence of RNA/functional studies, the actual effect of this sequence change is unknown.

Dr. Peter K. Rogan Lab, Western University
No classification provided (evidence only). Condition: Uterine corpus endometrial carcinoma. Review status: no classification provided. Collection method: in vitro. Allele origin: not applicable. Functional consequence: skipped exon. Not counted in ClinVar's aggregate classification.